The following is an entry in ClinVar:

ClinVar aggregate classification (germline): Likely pathogenic (1 of 4 stars; one submission).

Conditions:
Myopathy, congenital, with diaphragmatic defects, respiratory insufficiency, and dysmorphic facies. Also called: MYOPATHY, CONGENITAL, DUE TO MYOD1 DEFICIENCY; CONGENITAL MYOPATHY 17. Identifiers: MedGen C5436530, MONDO:0033548, OMIM 618975.

Submission:

Neuberg Centre For Genomic Medicine, NCGM
Classification: Likely pathogenic for Myopathy, congenital, with diaphragmatic defects, respiratory insufficiency, and dysmorphic facies. Last evaluated: 2023-05-20. Review status: criteria provided, single submitter. Criteria: ACMG Guidelines, 2015. Collection method: clinical testing. Allele origin: germline. Inheritance: Autosomal recessive inheritance. Affected: yes.
Comment: The observed stop gained c.468T>A(p.Tyr156Ter) variant in MYOD1 gene has not been reported previously as a pathogenic variant nor as a benign variant, to our knowledge. This variant is absent in gnomAD Exomes. Computational evidence (MutationTaster - Disease causing automatic) predicts damaging effect on protein structure and function for this variant. This variant is predicted to cause loss of normal protein function either through protein truncation or nonsense-mediated mRNA decay. Loss of function variants have been previously reported to be disease causing. For these reasons, this variant has been classified as Likely Pathogenic. In the absence of another reportable variant, the molecular diagnosis is not confirmed.

NM_002478.5(MYOD1):c.468T>A (p.Tyr156Ter)

Gene: MYOD1 (myogenic differentiation 1; plus strand). Cytogenetic location: 11p15.1.
Variant type: single nucleotide variant.
Coding change: c.468T>A on transcript NM_002478.5 (MANE Select); coding-DNA position 468, T replaced by A.
Protein change: p.Tyr156Ter; replaces tyrosine 156 with a stop codon.
Molecular consequence: nonsense.
Genome position (GRCh38, 1-based): chr11:17,720,250, T>A. VCF-style: chr11-17720250-T-A. GRCh37 (hg19) VCF-style: chr11-17741797-T-A.
Other names: short protein forms Y156*.
Identifiers: ClinVar variation 3341452 (VCV003341452.1).